The following is an entry in ClinVar:

NM_030912.3(TRIM8):c.1120del (p.Ala374fs)

Gene: TRIM8 (tripartite motif containing 8; plus strand). Cytogenetic location: 10q24.32.
Variant type: Deletion.
Coding change: c.1120del on transcript NM_030912.3 (MANE Select); coding-DNA position 1120, one base deleted (G; older notation c.1120delG).
Protein change: p.Ala374fs; shifts the reading frame from alanine 374.
Molecular consequence: frameshift variant. On other transcripts: non-coding transcript variant (1).
Genome position (GRCh38, 1-based): chr10:102,656,818, G deleted; the last of 4 consecutive G bases (chr10:102,656,815-102,656,818); deleting any one gives the same sequence. VCF-style (leftmost placement, unchanged base first): chr10-102656814-TG-T. GRCh37 (hg19) VCF-style: chr10-104416571-TG-T.
Other names: c.1024del, p.Ala342fs (NM_001345950.1); short protein forms A374fs, A342fs.
Identifiers: ClinVar variation 2159491 (VCV002159491.4), dbSNP rs2492914988, ClinGen allele CA658781270.

ClinVar aggregate classification (germline): Likely pathogenic (1 of 4 stars; one submission).

Submission:

Labcorp Genetics (formerly Invitae), Labcorp
Classification: Likely pathogenic. Last evaluated: 2022-05-12. Review status: criteria provided, single submitter. Criteria: Invitae Variant Classification Sherloc (09022015). Collection method: clinical testing. Allele origin: germline.
Comment: In summary, the currently available evidence indicates that the variant is pathogenic, but additional data are needed to prove that conclusively. Therefore, this variant has been classified as Likely Pathogenic. This premature translational stop signal has been observed in individual(s) with TRIM8-related conditions (PMID: 30244534). In at least one individual the variant was observed to be de novo. This variant is not present in population databases (gnomAD no frequency). This sequence change creates a premature translational stop signal (p.Ala374Argfs*16) in the TRIM8 gene. While this is not anticipated to result in nonsense mediated decay, it is expected to disrupt the last 178 amino acid(s) of the TRIM8 protein.

Literature cited by the submitters: PubMed 30244534.